The following is an entry in ClinVar:

NM_006303.4(AIMP2):c.643C>T (p.Arg215Cys)

Genes: AIMP2 (aminoacyl tRNA synthetase complex interacting multifunctional protein 2; plus strand), EIF2AK1 (eukaryotic translation initiation factor 2 alpha kinase 1; minus strand). Cytogenetic location: 7p22.1.
Variant type: single nucleotide variant.
Coding change: c.643C>T on transcript NM_006303.4 (MANE Select); coding-DNA position 643, C replaced by T.
Protein change: p.Arg215Cys; replaces arginine 215 with cysteine.
Molecular consequence: missense variant. On other transcripts: 3 prime UTR variant (2).
Genome position (GRCh38, 1-based): chr7:6,023,371, C>T. VCF-style: chr7-6023371-C-T. GRCh37 (hg19) VCF-style: chr7-6063002-C-T.
Other names: c.*1302G>A (NM_001134335.2, NM_014413.4); c.523C>T, p.Arg175Cys (NM_001326606.2); c.436C>T, p.Arg146Cys (NM_001326607.2); c.409C>T, p.Arg137Cys (NM_001326609.2, NM_001326610.2, NM_001326611.3); c.556C>T, p.Arg186Cys (NM_001362785.2); c.511C>T, p.Arg171Cys (NM_001362787.2); short protein forms R137C, R146C, R215C, R171C, R175C, R186C.
Identifiers: ClinVar variation 1904423 (VCV001904423.5), dbSNP rs377482895, ClinGen allele CA4150439.

ClinVar aggregate classification (germline): Uncertain significance. Review status: criteria provided, multiple submitters, no conflicts (2 of 4 stars). 2 submissions from 2 submitters: Uncertain significance (2). Last evaluated 2022-11-16.

Conditions:
Inborn genetic diseases. Identifiers: MedGen C0950123, MeSH D030342.

Allele frequency attached by ClinVar (database versions not stated): gnomAD exomes 0.00001; ExAC 0.00003; gnomAD 0.00003; TOPMed 0.00003; ESP Exome Variant Server 0.00015.
gnomAD v4.1: 25 of 1,613,910 alleles (0.0015%); highest among the groups gnomAD compares: Non-Finnish European, 0.0019%; no homozygotes.

Submissions (2):

Labcorp Genetics (formerly Invitae), Labcorp
Classification: Uncertain significance. Last evaluated: 2022-11-16. Review status: criteria provided, single submitter. Criteria: Invitae Variant Classification Sherloc (09022015). Collection method: clinical testing. Allele origin: germline.
Comment: This sequence change replaces arginine, which is basic and polar, with cysteine, which is neutral and slightly polar, at codon 215 of the AIMP2 protein (p.Arg215Cys). In summary, the available evidence is currently insufficient to determine the role of this variant in disease. Therefore, it has been classified as a Variant of Uncertain Significance. Algorithms developed to predict the effect of missense changes on protein structure and function are either unavailable or do not agree on the potential impact of this missense change (SIFT: "Deleterious"; PolyPhen-2: "Probably Damaging"; Align-GVGD: "Class C0"). This variant has not been reported in the literature in individuals affected with AIMP2-related conditions. This variant is present in population databases (rs377482895, gnomAD 0.003%).

Ambry Genetics
Classification: Uncertain significance for Inborn genetic diseases. Last evaluated: 2021-10-27. Review status: criteria provided, single submitter. Criteria: Ambry Variant Classification Scheme 2023. Collection method: clinical testing. Allele origin: germline.